The following is an entry in ClinVar:

ClinVar aggregate classification (germline): Pathogenic (1 of 4 stars; one submission).

Submission:

Labcorp Genetics (formerly Invitae), Labcorp
Classification: Pathogenic. Last evaluated: 2019-07-30. Review status: criteria provided, single submitter. Criteria: Invitae Variant Classification Sherloc (09022015). Collection method: clinical testing. Allele origin: germline.
Comment: Loss-of-function variants in PHEX are known to be pathogenic (PMID: 9097956, 9106524, 19219621). This variant has not been reported in the literature in individuals with PHEX-related conditions. This variant is not present in population databases (ExAC no frequency). This sequence change creates a premature translational stop signal (p.Tyr327*) in the PHEX gene. It is expected to result in an absent or disrupted protein product. For these reasons, this variant has been classified as Pathogenic.

Literature cited by the submitters: PubMed 9097956; PubMed 9106524; PubMed 19219621.

NM_000444.6(PHEX):c.981C>G (p.Tyr327Ter)

Gene: PHEX (phosphate regulating endopeptidase X-linked; plus strand). Cytogenetic location: Xp22.11.
Variant type: single nucleotide variant.
Coding change: c.981C>G on transcript NM_000444.6 (MANE Select); coding-DNA position 981, C replaced by G.
Protein change: p.Tyr327Ter; replaces tyrosine 327 with a stop codon.
Molecular consequence: nonsense.
Genome position (GRCh38, 1-based): chrX:22,099,053, C>G. VCF-style: chrX-22099053-C-G. GRCh37 (hg19) VCF-style: chrX-22117171-C-G.
Other names: c.981C>G, p.Tyr327Ter (NM_001282754.2); short protein forms Y327*.
Identifiers: ClinVar variation 955165 (VCV000955165.7), dbSNP rs1930295914, ClinGen allele CA412572839.